The following is an entry in ClinVar:

ClinVar aggregate classification (germline): Uncertain significance. Review status: criteria provided, multiple submitters, no conflicts (2 of 4 stars). 2 submissions from 2 submitters: Uncertain significance (2). Last evaluated 2025-07-09.

Conditions:
Ataxia-telangiectasia syndrome (AT). Also called: LOUIS-BAR SYNDROME; Cerebello-oculocutaneous telangiectasia; Immunodeficiency with ataxia telangiectasia; Ataxia telangiectasia (A-T); Ataxia-telangiectasia, complementation group D; AT, COMPLEMENTATION GROUP C. Identifiers: Orphanet 100, MedGen C0004135, MONDO:0008840, OMIM 208900.
Hereditary cancer-predisposing syndrome. Also called: Tumor predisposition; Neoplastic Syndromes, Hereditary; Hereditary Cancer Syndrome; Hereditary neoplastic syndrome. Identifiers: Orphanet 140162, MedGen C0027672, MeSH D009386, MONDO:0015356.

Submissions (2):

Ambry Genetics
Classification: Uncertain significance for Hereditary cancer-predisposing syndrome. Last evaluated: 2025-07-09. Review status: criteria provided, single submitter. Criteria: Ambry Variant Classification Scheme 2023. Collection method: clinical testing. Allele origin: germline.
Comment: The c.6053_6055delTGT variant (also known as p.L2018del) is located in coding exon 40 of the ATM gene. This variant results from an in-frame TGT deletion at nucleotide positions 6053 to 6055. This results in the in-frame deletion of a leucine at codon 2018. This amino acid position is highly conserved in available vertebrate species. In addition, this variant is predicted to be deleterious by in silico analysis (Choi Y et al. PLoS ONE. 2012; 7(10):e46688). Based on the available evidence, the clinical significance of this variant remains unclear.

Labcorp Genetics (formerly Invitae), Labcorp
Classification: Uncertain significance for Ataxia-telangiectasia syndrome. Last evaluated: 2022-10-31. Review status: criteria provided, single submitter. Criteria: Invitae Variant Classification Sherloc (09022015). Collection method: clinical testing. Allele origin: germline.
Comment: In summary, the available evidence is currently insufficient to determine the role of this variant in disease. Therefore, it has been classified as a Variant of Uncertain Significance. Experimental studies and prediction algorithms are not available or were not evaluated, and the functional significance of this variant is currently unknown. This variant has not been reported in the literature in individuals affected with ATM-related conditions. This variant is not present in population databases (gnomAD no frequency). This variant, c.6053_6055del, results in the deletion of 1 amino acid(s) of the ATM protein (p.Leu2018del), but otherwise preserves the integrity of the reading frame.

NM_000051.4(ATM):c.6053_6055del (p.Leu2018del)

Genes: ATM (ATM serine/threonine kinase; plus strand), C11orf65 (chromosome 11 open reading frame 65; minus strand). Cytogenetic location: 11q22.3.
Variant type: Deletion.
Coding change: c.6053_6055del on transcript NM_000051.4 (MANE Select); coding-DNA positions 6053 to 6055, 3 bases deleted (TGT; older notation c.6053_6055delTGT).
Protein change: p.Leu2018del; deletes leucine 2018.
Molecular consequence: inframe deletion. On other transcripts: intron variant (2).
Genome position (GRCh38, 1-based): chr11:108,315,869-108,315,871, TGT deleted; deleting any 3 consecutive bases within chr11:108,315,868-108,315,871 gives the same sequence; the c. name uses the placement nearest the transcript's 3' end. VCF-style (leftmost placement, unchanged base first): chr11-108315867-TTTG-T. GRCh37 (hg19) VCF-style: chr11-108186594-TTTG-T.
Other names: c.6053_6055del, p.Leu2018del (NM_001351834.2); c.641-6799_641-6797del (NM_001330368.2); c.*39-6799_*39-6797del (NM_001351110.2); short protein forms L2018del.
Identifiers: ClinVar variation 2711983 (VCV002711983.4), dbSNP rs2547089243, ClinGen allele CA2697558919.